The following is an entry in ClinVar:

ClinVar aggregate classification (germline): Uncertain significance (1 of 4 stars; one submission).

Allele frequency attached by ClinVar (database versions not stated): gnomAD exomes below 0.00001.
gnomAD v4.1: 1 of 1,614,092 alleles (0.000062%); highest among the groups gnomAD compares: Non-Finnish European, 0.000085%; no homozygotes.

Submission:

Labcorp Genetics (formerly Invitae), Labcorp
Classification: Uncertain significance. Last evaluated: 2022-02-22. Review status: criteria provided, single submitter. Criteria: Invitae Variant Classification Sherloc (09022015). Collection method: clinical testing. Allele origin: germline.
Comment: In summary, the available evidence is currently insufficient to determine the role of this variant in disease. Therefore, it has been classified as a Variant of Uncertain Significance. Algorithms developed to predict the effect of missense changes on protein structure and function (SIFT, PolyPhen-2, Align-GVGD) all suggest that this variant is likely to be disruptive. This variant has not been reported in the literature in individuals affected with NBAS-related conditions. This variant is not present in population databases (gnomAD no frequency). This sequence change replaces glycine, which is neutral and non-polar, with arginine, which is basic and polar, at codon 619 of the NBAS protein (p.Gly619Arg).

NM_015909.4(NBAS):c.1855G>A (p.Gly619Arg)

Gene: NBAS (NBAS subunit of NRZ tethering complex; minus strand). Cytogenetic location: 2p24.3.
Variant type: single nucleotide variant.
Coding change: c.1855G>A on transcript NM_015909.4 (MANE Select); coding-DNA position 1855, G replaced by A.
Protein change: p.Gly619Arg; replaces glycine 619 with arginine.
Molecular consequence: missense variant. On other transcripts: non-coding transcript variant (1).
Genome position (GRCh38, 1-based): chr2:15,468,404, C>T on the plus strand (G>A on the coding strand, the complement: NBAS is on the minus strand). VCF-style: chr2-15468404-C-T. GRCh37 (hg19) VCF-style: chr2-15608528-C-T.
Other names: short protein forms G619R.
Identifiers: ClinVar variation 2101643 (VCV002101643.4), dbSNP rs2528111217, ClinGen allele CA345884149.
Genomic context (GRCh38, chr2:15,468,404, plus strand): 5'-TCACCTTTACTTTGAATCCAATTCTTTCTGTAACCAACCTGCCATCATCTGCTCCTTTCC[C>T]TATTGCTAAAAGAGCCTCCAGGTCTGTGCCTTTTAATCCATACTGAAGCAGTTCTTTTGC-3'
Protein context (NP_056993.2, residues 609-629): GTDLEALLAI[Gly619Arg]KGADDGRFTL